The following is an entry in ClinVar:

ClinVar aggregate classification (germline): Likely benign. Review status: criteria provided, single submitter (1 of 4 stars). 2 submissions from 2 submitters: Likely benign (1). 1 of the submissions does not count toward it. Last evaluated 2025-09-02.

Conditions:
XPO5-related disorder. Also called: XPO5-related condition.

Allele frequency attached by ClinVar (database versions not stated): ESP Exome Variant Server 0.00008; ExAC 0.00012; 1000 Genomes Project 30x 0.00016; TOPMed 0.00021; gnomAD exomes 0.00002; 1000 Genomes Project 0.00020; gnomAD 0.00021.
gnomAD v4.1: 67 of 1,577,600 alleles (0.0042%); highest among the groups gnomAD compares: African/African-American, 0.062%; no homozygotes.

Submissions (2):

Labcorp Genetics (formerly Invitae), Labcorp
Classification: Likely benign. Last evaluated: 2025-09-02. Review status: criteria provided, single submitter. Criteria: Invitae Variant Classification Sherloc (09022015). Collection method: clinical testing. Allele origin: germline.

PreventionGenetics, part of Exact Sciences
Classification: Likely benign for XPO5-related condition. Last evaluated: 2019-08-09. Review status: no assertion criteria provided. Collection method: clinical testing. Allele origin: germline. Not counted in ClinVar's aggregate classification.
Comment: This variant is classified as likely benign based on ACMG/AMP sequence variant interpretation guidelines (Richards et al. 2015 PMID: 25741868, with internal and published modifications).

NM_020750.3(XPO5):c.3081G>A (p.Ala1027=)

Genes: POLR1C (RNA polymerase I and III subunit C; plus strand), XPO5 (exportin 5; minus strand). Cytogenetic location: 6p21.1.
Variant type: single nucleotide variant.
Coding change: c.3081G>A on transcript NM_020750.3 (MANE Select); coding-DNA position 3081, G replaced by A.
Protein change: p.Ala1027=; no amino-acid change (alanine 1027 retained).
Molecular consequence: synonymous variant. On other transcripts: non-coding transcript variant (1), intron variant (2).
Genome position (GRCh38, 1-based): chr6:43,525,200, C>T on the plus strand (G>A on the coding strand, the complement: XPO5 is on the minus strand). VCF-style: chr6-43525200-C-T. GRCh37 (hg19) VCF-style: chr6-43492938-C-T.
Other names: c.922+4152C>T (NM_001363658.2); c.923-4049C>T (NM_001318876.2).
Identifiers: ClinVar variation 2084044 (VCV002084044.5), dbSNP rs373634302, ClinGen allele CA3825875.
Genomic context (GRCh38, chr6:43,525,200, plus strand): 5'-TGTCCTCTGGCAGGACAGAGTATCTTTCCAGGCCAGGGAATTGAAGGCTGTAATTAATAG[C>T]GCTGTACAAACATCCTGAACAGGAAAAGATGAAGAGTTACAATGGAAAAAGAAGCACAGT-3'
Protein context (NP_065801.1, residues 1017-1037): CLMKHEDVCT[Ala1027=]LLITAFNSLA